The following is an entry in ClinVar:

NM_006231.4(POLE):c.4391C>T (p.Ala1464Val)

Gene: POLE (DNA polymerase epsilon, catalytic subunit; minus strand). Cytogenetic location: 12q24.33.
Variant type: single nucleotide variant.
Coding change: c.4391C>T on transcript NM_006231.4 (MANE Select); coding-DNA position 4391, C replaced by T.
Protein change: p.Ala1464Val; replaces alanine 1464 with valine.
Molecular consequence: missense variant.
Genome position (GRCh38, 1-based): chr12:132,643,460, G>A on the plus strand (C>T on the coding strand, the complement: POLE is on the minus strand). VCF-style: chr12-132643460-G-A. GRCh37 (hg19) VCF-style: chr12-133220046-G-A.
Other names: short protein forms A1464V.
Identifiers: ClinVar variation 856790 (VCV000856790.9), dbSNP rs2042202598, ClinGen allele CA387381145.
Genomic context (GRCh38, chr12:132,643,460, plus strand): 5'-GCCATACCTGGTTCCAGGTAGCTGAACTGGGCCAGAGAGCGCATCTCCAGGTGCTCAAGA[G>A]CAAAGGTCTCTGCTTCCCAGCCTGAAAGGTGCCTCACCAGCTGTTTATTGACCACACACA-3'
Protein context (NP_006222.2, residues 1454-1474): HLSGWEAETF[Ala1464Val]LEHLEMRSLA

ClinVar aggregate classification (germline): Uncertain significance (1 of 4 stars; one submission).

Submission:

Labcorp Genetics (formerly Invitae), Labcorp
Classification: Uncertain significance. Last evaluated: 2025-10-11. Review status: criteria provided, single submitter. Criteria: Invitae Variant Classification Sherloc (09022015). Collection method: clinical testing. Allele origin: germline.
Comment: This sequence change replaces alanine, which is neutral and non-polar, with valine, which is neutral and non-polar, at codon 1464 of the POLE protein (p.Ala1464Val). This variant is not present in population databases (gnomAD no frequency). This variant has not been reported in the literature in individuals affected with POLE-related conditions. ClinVar contains an entry for this variant (Variation ID: 856790). Invitae Evidence Modeling of protein sequence and biophysical properties (such as structural, functional, and spatial information, amino acid conservation, physicochemical variation, residue mobility, and thermodynamic stability) indicates that this missense variant is not expected to disrupt POLE protein function with a negative predictive value of 80%. In summary, the available evidence is currently insufficient to determine the role of this variant in disease. Therefore, it has been classified as a Variant of Uncertain Significance.